The following is an entry in ClinVar:

NM_001267550.2(TTN):c.70260G>A (p.Pro23420=)

Genes: TTN (titin; minus strand), TTN-AS1 (TTN antisense RNA 1; plus strand), LOC126806422 (BRD4-independent group 4 enhancer GRCh37_chr2:179440205-179441404; plus strand). Cytogenetic location: 2q31.2.
Variant type: single nucleotide variant.
Coding change: c.70260G>A on transcript NM_001267550.2 (MANE Select); coding-DNA position 70260, G replaced by A.
Protein change: p.Pro23420=; no amino-acid change (proline 23420 retained).
Molecular consequence: synonymous variant.
Genome position (GRCh38, 1-based): chr2:178,575,872, C>T on the plus strand (G>A on the coding strand, the complement: TTN is on the minus strand). VCF-style: chr2-178575872-C-T. GRCh37 (hg19) VCF-style: chr2-179440599-C-T.
Other names: c.65337G>A, p.Pro21779= (NM_001256850.1); c.43065G>A, p.Pro14355= (NM_003319.4); c.62556G>A, p.Pro20852= (NM_133378.4); c.43440G>A, p.Pro14480= (NM_133432.3); c.43641G>A, p.Pro14547= (NM_133437.4).
Identifiers: ClinVar variation 263730 (VCV000263730.34), dbSNP rs72646887, ClinGen allele CA1990812.

ClinVar aggregate classification (germline): Conflicting classifications of pathogenicity. Review status: criteria provided, conflicting classifications (1 of 4 stars). 7 submissions from 7 submitters: Uncertain significance (2); Likely benign (5). Last evaluated 2025-11-28.

Conditions:
Cardiovascular phenotype. Identifiers: MedGen CN230736.
Autosomal recessive limb-girdle muscular dystrophy type 2J (LGMDR10). Also called: Limb-girdle muscular dystrophy, type 2J; MUSCULAR DYSTROPHY, LIMB-GIRDLE, AUTOSOMAL RECESSIVE 10. Identifiers: Orphanet 140922, MedGen C1837342, MONDO:0012127, OMIM 608807.
Dilated cardiomyopathy 1G (CMD1G). Identifiers: Orphanet 154, MedGen C1858763, MONDO:0011400, OMIM 604145.

Allele frequency attached by ClinVar (database versions not stated): ExAC 0.00001; gnomAD 0.00002; gnomAD exomes 0.00003 and 0.00011; TOPMed 0.00003.
gnomAD v4.1: 157 of 1,613,324 alleles (0.0097%); highest among the groups gnomAD compares: South Asian, 0.019%; no homozygotes.

Submissions (7):

Women's Health and Genetics/Laboratory Corporation of America, LabCorp
Classification: Likely benign. Last evaluated: 2025-11-28. Review status: criteria provided, single submitter. Criteria: LabCorp Variant Classification Summary - May 2015. Collection method: clinical testing. Allele origin: germline.

Blueprint Genetics
Classification: Likely benign. Last evaluated: 2024-08-28. Review status: criteria provided, single submitter. Criteria: ACMG Guidelines, 2015. Collection method: clinical testing. Allele origin: germline.

CeGaT Center for Human Genetics Tuebingen
Classification: Likely benign. Last evaluated: 2022-09-01. Review status: criteria provided, single submitter. Criteria: CeGaT Center For Human Genetics Tuebingen Variant Classification Criteria Version 2. Collection method: clinical testing. Allele origin: germline. Affected: yes. Observed: 1 variant allele.
Comment: TTN: BP4, BP7

Eurofins Ntd Llc (ga)
Classification: Uncertain significance. Last evaluated: 2017-05-19. Review status: criteria provided, single submitter. Criteria: EGL Classification Definitions 2015. Collection method: clinical testing. Allele origin: germline. Observed: 2 variant alleles, 2 heterozygotes.

Labcorp Genetics (formerly Invitae), Labcorp
Classification: Uncertain significance for Dilated cardiomyopathy 1G; Autosomal recessive limb-girdle muscular dystrophy type 2J. Last evaluated: 2017-05-17. Review status: criteria provided, single submitter. Criteria: Invitae Variant Classification Sherloc (09022015). Collection method: clinical testing. Allele origin: germline.

GeneDx
Classification: Likely benign. Last evaluated: 2016-07-27. Review status: criteria provided, single submitter. Criteria: GeneDx Variant Classification (06012015). Collection method: clinical testing. Allele origin: germline. Affected: yes.
Comment: This variant is considered likely benign or benign based on one or more of the following criteria: it is a conservative change, it occurs at a poorly conserved position in the protein, it is predicted to be benign by multiple in silico algorithms, and/or has population frequency not consistent with disease.

Ambry Genetics
Classification: Likely benign for Cardiovascular phenotype. Last evaluated: 2013-11-18. Review status: criteria provided, single submitter. Criteria: Ambry Autosomal Dominant and X-Linked criteria (10/2015). Collection method: clinical testing. Allele origin: germline. Observed: 1 variant allele.